The following is an entry in ClinVar:

ClinVar aggregate classification (germline): Uncertain significance (1 of 4 stars; one submission).

Submission:

Women's Health and Genetics/Laboratory Corporation of America, LabCorp
Classification: Uncertain significance. Last evaluated: 2024-05-03. Review status: criteria provided, single submitter. Criteria: LabCorp Variant Classification Summary - May 2015. Collection method: clinical testing. Allele origin: germline.
Comment: Variant summary: TRAPPC9 c.3443C>A (p.Ala1148Asp) results in a non-conservative amino acid change in the encoded protein sequence. Four of five in-silico tools predict a benign effect of the variant on protein function. The variant was absent in 249272 control chromosomes. The available data on variant occurrences in the general population are insufficient to allow any conclusion about variant significance. To our knowledge, no occurrence of c.3443C>A in individuals affected with Intellectual Disability, Autosomal Recessive 13 and no experimental evidence demonstrating its impact on protein function have been reported. No submitters have cited clinical-significance assessments for this variant to ClinVar. Based on the evidence outlined above, the variant was classified as uncertain significance.

NM_001160372.4(TRAPPC9):c.3443C>A (p.Ala1148Asp)

Gene: TRAPPC9 (trafficking protein particle complex subunit 9; minus strand). Cytogenetic location: 8q24.3.
Variant type: single nucleotide variant.
Coding change: c.3443C>A on transcript NM_001160372.4 (MANE Select); coding-DNA position 3443, C replaced by A.
Protein change: p.Ala1148Asp; replaces alanine 1148 with aspartic acid.
Molecular consequence: missense variant. On other transcripts: non-coding transcript variant (1).
Genome position (GRCh38, 1-based): chr8:139,731,065, G>T on the plus strand (C>A on the coding strand, the complement: TRAPPC9 is on the minus strand). VCF-style: chr8-139731065-G-T. GRCh37 (hg19) VCF-style: chr8-140743308-G-T.
Other names: c.3416C>A, p.Ala1139Asp (NM_001321646.2); c.3464C>A, p.Ala1155Asp (NM_001374682.1); c.3332C>A, p.Ala1111Asp (NM_001374683.1); c.3299C>A, p.Ala1100Asp (NM_001374684.1); c.3443C>A, p.Ala1148Asp (NM_031466.8); short protein forms A1100D, A1111D, A1139D, A1148D, A1155D.
Identifiers: ClinVar variation 3336221 (VCV003336221.1).